The following is an entry in ClinVar:

ClinVar aggregate classification (germline): Likely benign. Review status: criteria provided, multiple submitters, no conflicts (2 of 4 stars). 2 submissions from 2 submitters: Likely benign (2). Last evaluated 2025-05-02.

Conditions:
Tuberous sclerosis 2 (TSC2). Identifiers: Orphanet 805, MedGen C1860707, MONDO:0013199, OMIM 613254.

Submissions (2):

Myriad Genetics, Inc.
Classification: Likely benign for Tuberous sclerosis 2. Last evaluated: 2025-05-02. Review status: criteria provided, single submitter. Criteria: Myriad Autosomal Dominant, Autosomal Recessive and X-Linked Classification Criteria (2023). Collection method: clinical testing. Allele origin: unknown.
Comment: This variant is considered likely benign. This variant is intronic and is not expected to impact mRNA splicing.

Labcorp Genetics (formerly Invitae), Labcorp
Classification: Likely benign for Tuberous sclerosis 2. Last evaluated: 2023-08-27. Review status: criteria provided, single submitter. Criteria: Invitae Variant Classification Sherloc (09022015). Collection method: clinical testing. Allele origin: germline.

NM_000548.5(TSC2):c.226-18C>T

Gene: TSC2 (TSC complex subunit 2; plus strand). Cytogenetic location: 16p13.3.
Variant type: single nucleotide variant.
Coding change: c.226-18C>T on transcript NM_000548.5 (MANE Select); 18 bases into the intron before coding-DNA position 226, C replaced by T.
Molecular consequence: intron variant.
Genome position (GRCh38, 1-based): chr16:2,053,324, C>T. VCF-style: chr16-2053324-C-T. GRCh37 (hg19) VCF-style: chr16-2103325-C-T.
Other names: c.226-18C>T (NM_001114382.3, NM_021055.3, NM_001370405.1 and 3 more transcripts); c.226-972C>T (NM_001318827.2); c.-2+2838C>T (NM_001318831.2); c.79-18C>T (NM_001318829.2); c.259-18C>T (NM_001318832.2).
Identifiers: ClinVar variation 1586477 (VCV001586477.9), dbSNP rs2151025462, ClinGen allele CA2573151776.